The following is an entry in ClinVar:

NM_000368.5(TSC1):c.1551G>T (p.Arg517=)

Gene: TSC1 (TSC complex subunit 1; minus strand). Cytogenetic location: 9q34.13.
Variant type: single nucleotide variant.
Coding change: c.1551G>T on transcript NM_000368.5 (MANE Select); coding-DNA position 1551, G replaced by T.
Protein change: p.Arg517=; no amino-acid change (arginine 517 retained).
Molecular consequence: synonymous variant. On other transcripts: non-coding transcript variant (5).
Genome position (GRCh38, 1-based): chr9:132,906,027, C>A on the plus strand (G>T on the coding strand, the complement: TSC1 is on the minus strand). VCF-style: chr9-132906027-C-A. GRCh37 (hg19) VCF-style: chr9-135781414-C-A.
Other names: c.1548G>T, p.Arg516= (NM_001162426.2, NM_001406597.1, NM_001406598.1 and 6 more transcripts); c.1398G>T, p.Arg466= (NM_001162427.2, NM_001406610.1); c.1188G>T, p.Arg396= (NM_001362177.2, NM_001406614.1, NM_001406615.1 and 5 more transcripts); c.1551G>T, p.Arg517= (NM_001406592.1, NM_001406593.1, NM_001406594.1 and 7 more transcripts); c.1395G>T, p.Arg465= (NM_001406611.1, NM_001406612.1, NM_001406613.1); c.1185G>T, p.Arg395= (NM_001406620.1, NM_001406621.1, NM_001406622.1 and 2 more transcripts); c.600G>T, p.Arg200= (NM_001406626.1); c.597G>T, p.Arg199= (NM_001406627.1, NM_001406628.1); and 1 more.
Identifiers: ClinVar variation 1697983 (VCV001697983.5), dbSNP rs2131842617, ClinGen allele CA467591044.

ClinVar aggregate classification (germline): Conflicting classifications of pathogenicity. Review status: criteria provided, conflicting classifications (1 of 4 stars). 3 submissions from 3 submitters: Uncertain significance (1); Likely benign (2). Last evaluated 2026-02-03.

Conditions:
Hereditary cancer-predisposing syndrome. Also called: Neoplastic Syndromes, Hereditary; Hereditary Cancer Syndrome; Tumor predisposition; Hereditary neoplastic syndrome. Identifiers: Orphanet 140162, MedGen C0027672, MeSH D009386, MONDO:0015356.
Tuberous sclerosis 1 (TSC1). Identifiers: Orphanet 805, MedGen C1854465, MONDO:0008612, OMIM 191100.

Submissions (3):

Labcorp Genetics (formerly Invitae), Labcorp
Classification: Likely benign for Tuberous sclerosis 1. Last evaluated: 2026-02-03. Review status: criteria provided, single submitter. Criteria: Invitae Variant Classification Sherloc (09022015). Collection method: clinical testing. Allele origin: germline.

Ambry Genetics
Classification: Likely benign for Hereditary cancer-predisposing syndrome. Last evaluated: 2025-06-06. Review status: criteria provided, single submitter. Criteria: Ambry Variant Classification Scheme 2023. Collection method: clinical testing. Allele origin: germline.

GeneDx
Classification: Uncertain significance. Last evaluated: 2022-07-22. Review status: criteria provided, single submitter. Criteria: GeneDx Variant Classification Process June 2021. Collection method: clinical testing. Allele origin: germline. Affected: yes.
Comment: Not observed at significant frequency in large population cohorts (gnomAD); In silico analysis supports a deleterious effect on splicing; Has not been previously published as pathogenic or benign to our knowledge